The following is an entry in ClinVar:

ClinVar aggregate classification (germline): Uncertain significance (1 of 4 stars; one submission).

Submission:

Athena Diagnostics
Classification: Uncertain significance. Last evaluated: 2022-12-28. Review status: criteria provided, single submitter. Criteria: Athena Diagnostics Criteria. Collection method: clinical testing. Allele origin: unknown.
Comment: Available data are insufficient to determine the clinical significance of the variant at this time. This variant has not been reported in large, multi-ethnic general populations. This variant has been identified in at least one individual with clinical features associated with this gene. At least one other missense variant at this codon is considered to be pathogenic or likely pathogenic, suggesting this variant may also cause disease.

NM_144599.5(NIPA1):c.134C>A (p.Thr45Lys)

Genes: NIPA1 (NIPA magnesium transporter 1; plus strand), LOC130056709 (ATAC-STARR-seq lymphoblastoid silent region 6259; plus strand). Cytogenetic location: 15q11.2.
Variant type: single nucleotide variant.
Coding change: c.134C>A on transcript NM_144599.5 (MANE Select); coding-DNA position 134, C replaced by A.
Protein change: p.Thr45Lys; replaces threonine 45 with lysine.
Molecular consequence: missense variant. On other transcripts: intron variant (1).
Genome position (GRCh38, 1-based): chr15:22,786,790, C>A. VCF-style: chr15-22786790-C-A. GRCh37 (hg19) VCF-style: chr15-23086278-G-T.
Other names: c.-48+542C>A (NM_001142275.1); short protein forms T45K.
Identifiers: ClinVar variation 2684018 (VCV002684018.1), dbSNP rs104894496, ClinGen allele CA391298842.